The following is an entry in ClinVar:

ClinVar aggregate classification (germline): Conflicting classifications of pathogenicity. Review status: criteria provided, conflicting classifications (1 of 4 stars). 7 submissions from 7 submitters: Uncertain significance (1); Benign (1); Likely benign (5). Last evaluated 2026-01-18.

Conditions:
Autosomal recessive limb-girdle muscular dystrophy type 2K. Also called: MUSCULAR DYSTROPHY-DYSTROGLYCANOPATHY (LIMB-GIRDLE), TYPE C, 1; MUSCULAR DYSTROPHY, LIMB-GIRDLE, TYPE 2K. Identifiers: Orphanet 86812, MedGen C1836373, MONDO:0012248, OMIM 609308.
Muscular dystrophy-dystroglycanopathy (congenital with impaired intellectual development), type B, 1. Also called: Muscular dystrophy-dystroglycanopathy (congenital with intellectual disability), type B1; MUSCULAR DYSTROPHY, CONGENITAL, POMT1-RELATED. Identifiers: MedGen C5436962, MONDO:0013159, OMIM 613155.
Walker-Warburg congenital muscular dystrophy. Also called: Muscular dystrophy-dystroglycanopathy, type A; Walker-Warburg syndrome. Identifiers: Orphanet 899, MedGen C0265221, MONDO:0000171.

Allele frequency attached by ClinVar (database versions not stated): gnomAD exomes 0.00007 and 0.00017; ExAC 0.00021; ESP Exome Variant Server 0.00077; 1000 Genomes Project 30x 0.00078; 1000 Genomes Project 0.00080; gnomAD 0.00082 and 0.00088; TOPMed 0.00087.
gnomAD v4.1: 238 of 1,613,876 alleles (0.015%); highest among the groups gnomAD compares: African/African-American, 0.24%; 1 homozygote.

Submissions (7):

Labcorp Genetics (formerly Invitae), Labcorp
Classification: Benign for Muscular dystrophy-dystroglycanopathy (congenital with impaired intellectual development), type B, 1; Walker-Warburg congenital muscular dystrophy; Autosomal recessive limb-girdle muscular dystrophy type 2K. Last evaluated: 2026-01-18. Review status: criteria provided, single submitter. Criteria: Invitae Variant Classification Sherloc (09022015). Collection method: clinical testing. Allele origin: germline.

Blueprint Genetics
Classification: Likely benign. Last evaluated: 2024-11-14. Review status: criteria provided, single submitter. Criteria: ACMG Guidelines, 2015. Collection method: clinical testing. Allele origin: germline.

CeGaT Center for Human Genetics Tuebingen
Classification: Likely benign. Last evaluated: 2024-07-01. Review status: criteria provided, single submitter. Criteria: CeGaT Center For Human Genetics Tuebingen Variant Classification Criteria Version 2. Collection method: clinical testing. Allele origin: germline. Affected: yes. Observed: 3 variant alleles.
Comment: POMT1: BP4, BP7

GeneDx
Classification: Likely benign. Last evaluated: 2021-05-19. Review status: criteria provided, single submitter. Criteria: GeneDx Variant Classification Process June 2021. Collection method: clinical testing. Allele origin: germline. Affected: yes.

Athena Diagnostics
Classification: Likely benign. Last evaluated: 2018-11-26. Review status: criteria provided, single submitter. Criteria: Athena Diagnostics Criteria. Collection method: clinical testing. Allele origin: germline.

Eurofins Ntd Llc (ga)
Classification: Uncertain significance. Last evaluated: 2017-11-16. Review status: criteria provided, single submitter. Criteria: EGL Classification Definitions 2015. Collection method: clinical testing. Allele origin: germline. Observed: 11 variant alleles, 11 heterozygotes.

PreventionGenetics, part of Exact Sciences
Classification: Likely benign. Review status: criteria provided, single submitter. Criteria: ACMG Guidelines, 2015. Collection method: clinical testing. Allele origin: germline.

NM_001077365.2(POMT1):c.1986C>T (p.Ile662=)

Gene: POMT1 (protein O-mannosyltransferase 1; plus strand). Cytogenetic location: 9q34.13.
Variant type: single nucleotide variant.
Coding change: c.1986C>T on transcript NM_001077365.2 (MANE Select); coding-DNA position 1986, C replaced by T.
Protein change: p.Ile662=; no amino-acid change (isoleucine 662 retained).
Molecular consequence: synonymous variant. On other transcripts: non-coding transcript variant (10).
Genome position (GRCh38, 1-based): chr9:131,522,207, C>T. VCF-style: chr9-131522207-C-T. GRCh37 (hg19) VCF-style: chr9-134397594-C-T.
Other names: c.1824C>T, p.Ile608= (NM_001077366.2, NM_001353194.2); c.1986C>T, p.Ile662= (NM_001136113.2); c.1635C>T, p.Ile545= (NM_001136114.2, NM_001353195.2, NM_001374691.1 and 2 more transcripts); c.2052C>T, p.Ile684= (NM_001353193.2, NM_007171.4); c.1896C>T, p.Ile632= (NM_001353196.2); c.1890C>T, p.Ile630= (NM_001353197.2, NM_001353198.2); c.1701C>T, p.Ile567= (NM_001353199.2); c.1530C>T, p.Ile510= (NM_001353200.2); and 3 more.
Identifiers: ClinVar variation 260145 (VCV000260145.45), dbSNP rs140553130, ClinGen allele CA5293886.